The following is an entry in ClinVar:

ClinVar aggregate classification (germline): Uncertain significance. Review status: criteria provided, multiple submitters, no conflicts (2 of 4 stars). 2 submissions from 2 submitters: Uncertain significance (2). Last evaluated 2025-05-11.

Allele frequency attached by ClinVar (database versions not stated): gnomAD exomes 0.00003; ExAC 0.00004; TOPMed 0.00005; gnomAD 0.00008; 1000 Genomes Project 0.00020; 1000 Genomes Project 30x 0.00031.

Submissions (2):

Mayo Clinic Laboratories, Mayo Clinic
Classification: Uncertain significance. Last evaluated: 2025-05-11. Review status: criteria provided, single submitter. Criteria: ACMG Guidelines, 2015. Collection method: clinical testing. Allele origin: germline. Observed: 1 variant allele.
Comment: BS2

Labcorp Genetics (formerly Invitae), Labcorp
Classification: Uncertain significance. Last evaluated: 2025-03-23. Review status: criteria provided, single submitter. Criteria: Invitae Variant Classification Sherloc (09022015). Collection method: clinical testing. Allele origin: germline.
Comment: This sequence change replaces serine, which is neutral and polar, with leucine, which is neutral and non-polar, at codon 24 of the PDYN protein (p.Ser24Leu). This variant is present in population databases (rs201321347, gnomAD 0.02%). This variant has not been reported in the literature in individuals affected with PDYN-related conditions. ClinVar contains an entry for this variant (Variation ID: 1497524). Invitae Evidence Modeling of protein sequence and biophysical properties (such as structural, functional, and spatial information, amino acid conservation, physicochemical variation, residue mobility, and thermodynamic stability) indicates that this missense variant is expected to disrupt PDYN protein function with a positive predictive value of 80%. In summary, the available evidence is currently insufficient to determine the role of this variant in disease. Therefore, it has been classified as a Variant of Uncertain Significance.

NM_024411.5(PDYN):c.71C>T (p.Ser24Leu)

Genes: PDYN (prodynorphin; minus strand), PDYN-AS1 (PDYN antisense RNA 1; plus strand). Cytogenetic location: 20p13.
Variant type: single nucleotide variant.
Coding change: c.71C>T on transcript NM_024411.5 (MANE Select); coding-DNA position 71, C replaced by T.
Protein change: p.Ser24Leu; replaces serine 24 with leucine.
Molecular consequence: missense variant.
Genome position (GRCh38, 1-based): chr20:1,983,014, G>A on the plus strand (C>T on the coding strand, the complement: PDYN is on the minus strand). VCF-style: chr20-1983014-G-A. GRCh37 (hg19) VCF-style: chr20-1963660-G-A.
Other names: p.Ser24Leu; c.71C>T, p.Ser24Leu (NM_001190892.1, NM_001190898.3, NM_001190899.2 and 1 more transcripts); short protein forms S24L.
Identifiers: ClinVar variation 1497524 (VCV001497524.5), dbSNP rs201321347, ClinGen allele CA9730393.